The following is an entry in ClinVar:

NM_018897.3(DNAH7):c.5516G>A (p.Arg1839Gln)

Gene: DNAH7 (dynein axonemal heavy chain 7; minus strand). Cytogenetic location: 2q32.3.
Variant type: single nucleotide variant.
Coding change: c.5516G>A on transcript NM_018897.3 (MANE Select); coding-DNA position 5516, G replaced by A.
Protein change: p.Arg1839Gln; replaces arginine 1839 with glutamine.
Molecular consequence: missense variant.
Genome position (GRCh38, 1-based): chr2:195,886,163, C>T on the plus strand (G>A on the coding strand, the complement: DNAH7 is on the minus strand). VCF-style: chr2-195886163-C-T. GRCh37 (hg19) VCF-style: chr2-196750887-C-T.
Other names: short protein forms R1839Q.
Identifiers: ClinVar variation 3058356 (VCV003058356.3), dbSNP rs201127823, ClinGen allele CA2035385.

ClinVar aggregate classification (germline): Uncertain significance. Review status: criteria provided, single submitter (1 of 4 stars). 2 submissions from 2 submitters: Uncertain significance (1). 1 of the submissions does not count toward it. Last evaluated 2025-08-12.

Conditions:
DNAH7-related disorder. Also called: DNAH7-related condition.

Allele frequency attached by ClinVar (database versions not stated): gnomAD exomes 0.00007; ExAC 0.00025; TOPMed 0.00051; gnomAD 0.00057; ESP Exome Variant Server 0.00058; 1000 Genomes Project 30x 0.00156; 1000 Genomes Project 0.00160.
gnomAD v4.1: 188 of 1,613,238 alleles (0.012%); highest among the groups gnomAD compares: African/African-American, 0.2%; 1 homozygote.

Submissions (2):

Ambry Genetics
Classification: Uncertain significance. Last evaluated: 2025-08-12. Review status: criteria provided, single submitter. Criteria: Ambry Variant Classification Scheme 2023. Collection method: clinical testing. Allele origin: germline.

PreventionGenetics, part of Exact Sciences
Classification: Likely benign for DNAH7-related condition. Last evaluated: 2023-07-30. Review status: no assertion criteria provided. Collection method: clinical testing. Allele origin: germline. Not counted in ClinVar's aggregate classification.
Comment: This variant is classified as likely benign based on ACMG/AMP sequence variant interpretation guidelines (Richards et al. 2015 PMID: 25741868, with internal and published modifications).